The following is an entry in ClinVar:

NM_000493.4(COL10A1):c.1849A>C (p.Asn617His)

Genes: COL10A1 (collagen type X alpha 1 chain; minus strand), NT5DC1 (5'-nucleotidase domain containing 1; plus strand). Cytogenetic location: 6q22.1.
Variant type: single nucleotide variant.
Coding change: c.1849A>C on transcript NM_000493.4 (MANE Select); coding-DNA position 1849, A replaced by C.
Protein change: p.Asn617His; replaces asparagine 617 with histidine.
Molecular consequence: missense variant. On other transcripts: intron variant (1).
Genome position (GRCh38, 1-based): chr6:116,120,267, T>G on the plus strand (A>C on the coding strand, the complement: COL10A1 is on the minus strand). VCF-style: chr6-116120267-T-G. GRCh37 (hg19) VCF-style: chr6-116441430-T-G.
Other names: c.1849A>C, p.Asn617His (NM_001424106.1, NM_001424107.1); c.529+2322T>G (NM_152729.3); short protein forms N617H.
Identifiers: ClinVar variation 4717046 (VCV004717046.2).

ClinVar aggregate classification (germline): Uncertain significance. Review status: criteria provided, multiple submitters, no conflicts (2 of 4 stars). 2 submissions from 2 submitters: Uncertain significance (2). Last evaluated 2025-07-24.

Conditions:
Metaphyseal chondrodysplasia, Schmid type (MCDS). Also called: SPONDYLOMETAPHYSEAL DYSPLASIA, JAPANESE TYPE. Identifiers: Orphanet 174, MedGen C0265289, MONDO:0007983, OMIM 156500.

Submissions (2):

3billion
Classification: Uncertain significance for Metaphyseal chondrodysplasia, Schmid type. Last evaluated: 2025-07-24. Review status: criteria provided, single submitter. Criteria: ACMG Guidelines, 2015. Collection method: clinical testing. Allele origin: germline. Affected: yes.
Comment: The variant is not observed in the gnomAD v4.1.0 dataset. Predicted Consequence/Location: Missense variant In silico tool predictions suggest damaging effect of the variant on gene or gene product [REVEL: 0.85 (>=0.6, sensitivity 0.68 and specificity 0.92); 3Cnet: 0.96 (> 0.75, sensitivity 0.96 and precision 0.92)]. A different missense change at the same codon (p.Asn617Lys) has been reported to be associated with COL10A1-related disorder (PMID: 7607655). Therefore, this variant is classified as VUS according to the recommendation of ACMG/AMP guideline.

Labcorp Genetics (formerly Invitae), Labcorp
Classification: Uncertain significance. Last evaluated: 2025-04-28. Review status: criteria provided, single submitter. Criteria: Invitae Variant Classification Sherloc (09022015). Collection method: clinical testing. Allele origin: germline.
Comment: This sequence change replaces asparagine, which is neutral and polar, with histidine, which is basic and polar, at codon 617 of the COL10A1 protein (p.Asn617His). This variant is not present in population databases (gnomAD no frequency). This variant has not been reported in the literature in individuals affected with COL10A1-related conditions. Invitae Evidence Modeling of protein sequence and biophysical properties (such as structural, functional, and spatial information, amino acid conservation, physicochemical variation, residue mobility, and thermodynamic stability) has been performed for this missense variant. However, the output from this modeling did not meet the statistical confidence thresholds required to predict the impact of this variant on COL10A1 protein function. In summary, the available evidence is currently insufficient to determine the role of this variant in disease. Therefore, it has been classified as a Variant of Uncertain Significance.

Literature cited by the submitters: PubMed 7607655 (cited by 3billion).